The following is an entry in ClinVar:

ClinVar aggregate classification (germline): Likely benign. Review status: criteria provided, multiple submitters, no conflicts (2 of 4 stars). 9 submissions from 9 submitters: Likely benign (8). 1 of the submissions does not count toward it. Last evaluated 2026-02-03.

Conditions:
Fanconi anemia complementation group J. Also called: BRIP1-Related Fanconi Anemia. Identifiers: Orphanet 84, MedGen C1836860, MONDO:0012187, OMIM 609054.
Familial cancer of breast. Also called: Hereditary breast cancer; BREAST CANCER, FAMILIAL; hereditary breast carcinoma. Identifiers: Orphanet 227535, MedGen C0346153, MONDO:0016419, OMIM 114480. Disease mechanism: loss of function.
BRIP1-related disorder. Also called: BRIP1-related condition; BRIP1-related disorders. Identifiers: MedGen CN239206.
Hereditary cancer-predisposing syndrome. Also called: Tumor predisposition; Neoplastic Syndromes, Hereditary; Hereditary Cancer Syndrome; Hereditary neoplastic syndrome. Identifiers: Orphanet 140162, MedGen C0027672, MeSH D009386, MONDO:0015356.

Submissions (9):

Labcorp Genetics (formerly Invitae), Labcorp
Classification: Likely benign for Familial cancer of breast; Fanconi anemia complementation group J. Last evaluated: 2026-02-03. Review status: criteria provided, single submitter. Criteria: Invitae Variant Classification Sherloc (09022015). Collection method: clinical testing. Allele origin: germline.

Center for Genomic Medicine, Rigshospitalet, Copenhagen University Hospital
Classification: Likely benign. Last evaluated: 2025-12-29. Review status: criteria provided, single submitter. Criteria: ACMG Guidelines, 2015. Collection method: clinical testing. Allele origin: germline.

Women's Health and Genetics/Laboratory Corporation of America, LabCorp
Classification: Likely benign. Last evaluated: 2024-12-19. Review status: criteria provided, single submitter. Criteria: LabCorp Variant Classification Summary - May 2015. Collection method: clinical testing. Allele origin: germline.
Comment: Variant summary: BRIP1 c.507+9_507+10delAG alters a nucleotide located at a position not widely known to affect splicing. Consensus agreement among computation tools predict no significant impact on normal splicing. However, these predictions have yet to be confirmed by functional studies. The variant allele was found at a frequency of 2.4e-05 in 251284 control chromosomes. The available data on variant occurrences in the general population are insufficient to allow any conclusion about variant significance. To our knowledge, no occurrence of c.507+9_507+10delAG in individuals affected with Hereditary Breast And Ovarian Cancer Syndrome and no experimental evidence demonstrating its impact on protein function have been reported. ClinVar contains an entry for this variant (Variation ID: 414668). Based on the evidence outlined above, the variant was classified as likely benign.

Myriad Genetics, Inc.
Classification: Likely benign for Familial cancer of breast. Last evaluated: 2024-08-21. Review status: criteria provided, single submitter. Criteria: Myriad Autosomal Dominant, Autosomal Recessive and X-Linked Classification Criteria (2023). Collection method: clinical testing. Allele origin: unknown.
Comment: This variant is considered likely benign. This variant is intronic and is not expected to impact mRNA splicing.

Quest Diagnostics Nichols Institute San Juan Capistrano
Classification: Likely benign. Last evaluated: 2022-05-16. Review status: criteria provided, single submitter. Criteria: Quest Diagnostics criteria. Collection method: clinical testing. Allele origin: unknown.

Mendelics
Classification: Likely benign for Familial cancer of breast. Last evaluated: 2019-05-28. Review status: criteria provided, single submitter. Criteria: Mendelics Assertion Criteria 2017. Collection method: clinical testing. Allele origin: unknown.

Color Diagnostics, LLC DBA Color Health
Classification: Likely benign for Hereditary cancer-predisposing syndrome. Last evaluated: 2017-09-22. Review status: criteria provided, single submitter. Criteria: ACMG Guidelines, 2015. Collection method: clinical testing. Allele origin: germline.

GeneDx
Classification: Likely benign. Last evaluated: 2017-09-05. Review status: criteria provided, single submitter. Criteria: GeneDx Variant Classification (06012015). Collection method: clinical testing. Allele origin: germline. Affected: yes.
Comment: This variant is considered likely benign or benign based on one or more of the following criteria: it is a conservative change, it occurs at a poorly conserved position in the protein, it is predicted to be benign by multiple in silico algorithms, and/or has population frequency not consistent with disease.

PreventionGenetics, part of Exact Sciences
Classification: Likely benign for BRIP1-related condition. Last evaluated: 2019-05-16. Review status: no assertion criteria provided. Collection method: clinical testing. Allele origin: germline. Not counted in ClinVar's aggregate classification.
Comment: This variant is classified as likely benign based on ACMG/AMP sequence variant interpretation guidelines (Richards et al. 2015 PMID: 25741868, with internal and published modifications).

NM_032043.3(BRIP1):c.507+9_507+10del

Gene: BRIP1 (BRCA1 interacting DNA helicase 1; minus strand). Cytogenetic location: 17q23.2.
Variant type: Microsatellite.
Coding change: c.507+9_507+10del on transcript NM_032043.3 (MANE Select); bases 9 to 10 of the intron after coding-DNA position 507, 2 bases deleted (AG; older notation c.507+9_507+10delAG).
Molecular consequence: intron variant.
Genome position (GRCh38, 1-based): chr17:61,849,119-61,849,120, CT deleted on the plus strand (AG on the coding strand, the reverse complement: BRIP1 is on the minus strand); deleting any 2 consecutive bases within chr17:61,849,119-61,849,122 gives the same sequence; the c. name uses the placement nearest the transcript's 3' end. VCF-style (leftmost placement, unchanged base first): chr17-61849118-ACT-A. GRCh37 (hg19) VCF-style: chr17-59926479-ACT-A.
Other names: c.507+9_507+10delAG (NM_032043.2, NM_032043.3).
Identifiers: ClinVar variation 414668 (VCV000414668.22), dbSNP rs747185394, ClinGen allele CA8690925.